The following is an entry in ClinVar:

NM_017654.4(SAMD9):c.469A>G (p.Ile157Val)

Gene: SAMD9 (sterile alpha motif domain containing 9; minus strand). Cytogenetic location: 7q21.2.
Variant type: single nucleotide variant.
Coding change: c.469A>G on transcript NM_017654.4 (MANE Select); coding-DNA position 469, A replaced by G.
Protein change: p.Ile157Val; replaces isoleucine 157 with valine.
Molecular consequence: missense variant.
Genome position (GRCh38, 1-based): chr7:93,105,629, T>C on the plus strand (A>G on the coding strand, the complement: SAMD9 is on the minus strand). VCF-style: chr7-93105629-T-C. GRCh37 (hg19) VCF-style: chr7-92734942-T-C.
Other names: c.469A>G, p.Ile157Val (NM_001193307.2); short protein forms I157V.
Identifiers: ClinVar variation 3437127 (VCV003437127.3).

ClinVar aggregate classification (germline): Uncertain significance. Review status: criteria provided, multiple submitters, no conflicts (2 of 4 stars). 2 submissions from 2 submitters: Uncertain significance (2). Last evaluated 2025-05-10.

Conditions:
Inborn genetic diseases. Identifiers: MedGen C0950123, MeSH D030342.

gnomAD v4.1: 4 of 1,614,172 alleles (0.00025%); highest among the groups gnomAD compares: South Asian, 0.0022%; no homozygotes.

Submissions (2):

Ambry Genetics
Classification: Uncertain significance for Inborn genetic diseases. Last evaluated: 2025-05-10. Review status: criteria provided, single submitter. Criteria: Ambry Variant Classification Scheme 2023. Collection method: clinical testing. Allele origin: germline.
Comment: The p.I157V variant (also known as c.469A>G), located in coding exon 1 of the SAMD9 gene, results from an A to G substitution at nucleotide position 469. The isoleucine at codon 157 is replaced by valine, an amino acid with highly similar properties. This amino acid position is conserved. In addition, this alteration is predicted to be tolerated by in silico analysis. Based on the available evidence, the clinical significance of this variant remains unclear.

Labcorp Genetics (formerly Invitae), Labcorp
Classification: Uncertain significance. Last evaluated: 2025-04-24. Review status: criteria provided, single submitter. Criteria: Invitae Variant Classification Sherloc (09022015). Collection method: clinical testing. Allele origin: germline.
Comment: This sequence change replaces isoleucine, which is neutral and non-polar, with valine, which is neutral and non-polar, at codon 157 of the SAMD9 protein (p.Ile157Val). This variant is present in population databases (rs754859629, gnomAD 0.006%). This variant has not been reported in the literature in individuals affected with SAMD9-related conditions. ClinVar contains an entry for this variant (Variation ID: 3437127). Invitae Evidence Modeling of protein sequence and biophysical properties (such as structural, functional, and spatial information, amino acid conservation, physicochemical variation, residue mobility, and thermodynamic stability) indicates that this missense variant is not expected to disrupt SAMD9 protein function with a negative predictive value of 95%. In summary, the available evidence is currently insufficient to determine the role of this variant in disease. Therefore, it has been classified as a Variant of Uncertain Significance.